The following is an entry in ClinVar:

NM_032444.4(SLX4):c.3906del (p.Asn1302fs)

Gene: SLX4 (SLX4 structure-specific endonuclease subunit; minus strand). Cytogenetic location: 16p13.3.
Variant type: Deletion.
Coding change: c.3906del on transcript NM_032444.4 (MANE Select); coding-DNA position 3906, one base deleted (C; older notation c.3906delC).
Protein change: p.Asn1302fs; shifts the reading frame from asparagine 1302.
Molecular consequence: frameshift variant.
Genome position (GRCh38, 1-based): chr16:3,589,732, G deleted on the plus strand (C on the coding strand, the reverse complement: SLX4 is on the minus strand). VCF-style (leftmost placement, unchanged base first): chr16-3589731-CG-C. GRCh37 (hg19) VCF-style: chr16-3639732-CG-C.
Other names: short protein forms N1302fs.
Identifiers: ClinVar variation 2984427 (VCV002984427.3), dbSNP rs2040557375, ClinGen allele CA2202848315.

ClinVar aggregate classification (germline): Pathogenic (1 of 4 stars; one submission).

Conditions:
Fanconi anemia (FA). Also called: Fanconi's anemia. Identifiers: Orphanet 84, MedGen C0015625, MeSH D005199, MONDO:0019391.

Allele frequency attached by ClinVar (database versions not stated): TOPMed 0.00001.

Submission:

Labcorp Genetics (formerly Invitae), Labcorp
Classification: Pathogenic for Fanconi anemia. Last evaluated: 2025-06-12. Review status: criteria provided, single submitter. Criteria: Invitae Variant Classification Sherloc (09022015). Collection method: clinical testing. Allele origin: germline.
Comment: This sequence change creates a premature translational stop signal (p.Asn1302Lysfs*73) in the SLX4 gene. It is expected to result in an absent or disrupted protein product. Loss-of-function variants in SLX4 are known to be pathogenic (PMID: 21240277). This variant is not present in population databases (gnomAD no frequency). This variant has not been reported in the literature in individuals affected with SLX4-related conditions. ClinVar contains an entry for this variant (Variation ID: 2984427). For these reasons, this variant has been classified as Pathogenic.

Literature cited by the submitters: PubMed 21240277.